The following is an entry in ClinVar:

ClinVar aggregate classification (germline): Uncertain significance (1 of 4 stars; one submission).

Submission:

GeneDx
Classification: Uncertain significance. Last evaluated: 2024-10-31. Review status: criteria provided, single submitter. Criteria: GeneDx Variant Classification Process June 2021. Collection method: clinical testing. Allele origin: germline. Affected: yes.
Comment: Not observed at significant frequency in large population cohorts (gnomAD); In silico analysis is inconclusive as to whether the variant alters gene splicing. In the absence of RNA/functional studies, the actual effect of this sequence change is unknown.; Has not been previously published as pathogenic or benign to our knowledge

NM_006421.5(ARFGEF1):c.4338G>A (p.Glu1446=)

Gene: ARFGEF1 (ARF guanine nucleotide exchange factor 1; minus strand). Cytogenetic location: 8q13.2.
Variant type: single nucleotide variant.
Coding change: c.4338G>A on transcript NM_006421.5 (MANE Select); coding-DNA position 4338, G replaced by A.
Protein change: p.Glu1446=; no amino-acid change (glutamic acid 1446 retained).
Molecular consequence: synonymous variant. On other transcripts: non-coding transcript variant (1).
Genome position (GRCh38, 1-based): chr8:67,219,431, C>T on the plus strand (G>A on the coding strand, the complement: ARFGEF1 is on the minus strand). VCF-style: chr8-67219431-C-T. GRCh37 (hg19) VCF-style: chr8-68131666-C-T.
Other names: c.4338G>A, p.Glu1446= (NM_001413184.1, NM_001413185.1, NM_001413186.1 and 5 more transcripts); c.3738G>A, p.Glu1246= (NM_001413188.1, NM_001413193.1, NM_001413197.1); c.4332G>A, p.Glu1444= (NM_001413190.1); c.2913G>A, p.Glu971= (NM_001413196.1).
Identifiers: ClinVar variation 3897520 (VCV003897520.1).